The following is an entry in ClinVar:

ClinVar aggregate classification (germline): Uncertain significance. Review status: criteria provided, multiple submitters, no conflicts (2 of 4 stars). 4 submissions from 4 submitters: Uncertain significance (4). Last evaluated 2025-09-15.

Conditions:
Marfan syndrome (MFS). Also called: MARFAN SYNDROME, TYPE I; Marfan syndrome type 1; Marfan's syndrome; Marfan syndrome, classic; FBN1-Related Marfan Syndrome. Identifiers: Orphanet 284963, Orphanet 558, MedGen C0024796, MONDO:0007947, OMIM 154700.
Familial thoracic aortic aneurysm and aortic dissection (TAAD). Also called: Thoracic aortic aneurysms and dissections. Identifiers: Orphanet 91387, MedGen C4707243, MONDO:0019625.

Allele frequency attached by ClinVar (database versions not stated): gnomAD 0.00001; TOPMed below 0.00001.
gnomAD v4.1: 2 of 1,613,224 alleles (0.00012%); highest among the groups gnomAD compares: Non-Finnish European, 0.00017%; no homozygotes.

Submissions (4):

Color Diagnostics, LLC DBA Color Health
Classification: Uncertain significance for Familial thoracic aortic aneurysm and aortic dissection. Last evaluated: 2025-09-15. Review status: criteria provided, single submitter. Criteria: ACMG Guidelines, 2015. Collection method: clinical testing. Allele origin: germline.
Comment: This variant causes a G to T nucleotide substitution at the +5 position of intron 42 of the FBN1 gene. To our knowledge, functional studies have not been reported for this variant. This variant has not been reported in individuals affected with FBN1-related disorders in the literature. This variant has not been identified in the general population by the Genome Aggregation Database (gnomAD). The available evidence is insufficient to determine the role of this variant in disease conclusively. Therefore, this variant is classified as a Variant of Uncertain Significance.

Labcorp Genetics (formerly Invitae), Labcorp
Classification: Uncertain significance for Marfan syndrome; Familial thoracic aortic aneurysm and aortic dissection. Last evaluated: 2024-08-28. Review status: criteria provided, single submitter. Criteria: Invitae Variant Classification Sherloc (09022015). Collection method: clinical testing. Allele origin: germline.
Comment: This sequence change falls in intron 42 of the FBN1 gene. It does not directly change the encoded amino acid sequence of the FBN1 protein. It affects a nucleotide within the consensus splice site. This variant is not present in population databases (gnomAD no frequency). This variant has not been reported in the literature in individuals affected with FBN1-related conditions. Variants that disrupt the consensus splice site are a relatively common cause of aberrant splicing (PMID: 17576681, 9536098). Algorithms developed to predict the effect of sequence changes on RNA splicing suggest that this variant is not likely to affect RNA splicing. In summary, the available evidence is currently insufficient to determine the role of this variant in disease. Therefore, it has been classified as a Variant of Uncertain Significance.

Blueprint Genetics
Classification: Uncertain significance. Last evaluated: 2024-08-13. Review status: criteria provided, single submitter. Criteria: ACMG Guidelines, 2015. Collection method: clinical testing. Allele origin: germline.

All of Us Research Program, National Institutes of Health
Classification: Uncertain significance for Marfan syndrome. Last evaluated: 2024-03-24. Review status: criteria provided, single submitter. Criteria: ACMG Guidelines, 2015. Collection method: clinical testing. Allele origin: germline. Inheritance: Autosomal dominant inheritance. Observed: 3 variant alleles, 3 heterozygotes.
Comment: This variant causes a G to T nucleotide substitution at the +5 position of intron 42 of the FBN1 gene. Splice site prediction tools predict that this variant may have a significant impact on RNA splicing. To our knowledge, RNA studies have not been reported for this variant. This variant has not been reported in individuals affected with FBN1-related disorders in the literature. This variant has not been identified in the general population by the Genome Aggregation Database (gnomAD). The available evidence is insufficient to determine the role of this variant in disease conclusively. Therefore, this variant is classified as a Variant of Uncertain Significance.

This study involves interpretation of variants in research participants for the purpose of population health screening. Participant phenotype was not available at the time of variant classification. Additional details can be found in publication PMID: 35346344, PMCID: PMC8962531

Literature cited by the submitters: PubMed 17576681 (cited by Labcorp Genetics (formerly Invitae), Labcorp); PubMed 9536098 (cited by Labcorp Genetics (formerly Invitae), Labcorp).

NM_000138.5(FBN1):c.5224+5G>T

Gene: FBN1 (fibrillin 1; minus strand). Cytogenetic location: 15q21.1.
Variant type: single nucleotide variant.
Coding change: c.5224+5G>T on transcript NM_000138.5 (MANE Select); 5 bases into the intron after coding-DNA position 5224, G replaced by T.
Molecular consequence: intron variant.
Genome position (GRCh38, 1-based): chr15:48,463,077, C>A on the plus strand (G>T on the coding strand, the complement: FBN1 is on the minus strand). VCF-style: chr15-48463077-C-A. GRCh37 (hg19) VCF-style: chr15-48755274-C-A.
Other names: c.5224+5G>T (NM_001406716.1).
Identifiers: ClinVar variation 3070256 (VCV003070256.5), dbSNP rs1434433558, ClinGen allele CA713404687.